The following is an entry in ClinVar:

NM_006258.4(PRKG1):c.962T>C (p.Ile321Thr)

Gene: PRKG1 (protein kinase cGMP-dependent 1; plus strand). Cytogenetic location: 10q21.1.
Variant type: single nucleotide variant.
Coding change: c.962T>C on transcript NM_006258.4 (MANE Select); coding-DNA position 962, T replaced by C.
Protein change: p.Ile321Thr; replaces isoleucine 321 with threonine.
Molecular consequence: missense variant. On other transcripts: 5 prime UTR variant (1).
Genome position (GRCh38, 1-based): chr10:52,133,866, T>C. VCF-style: chr10-52133866-T-C. GRCh37 (hg19) VCF-style: chr10-53893626-T-C.
Other names: c.917T>C, p.Ile306Thr (NM_001098512.3); c.-248T>C (NM_001374781.1); short protein forms I321T, I306T.
Identifiers: ClinVar variation 4762580 (VCV004762580.1).

ClinVar aggregate classification (germline): Uncertain significance (1 of 4 stars; one submission).

Conditions:
Aortic aneurysm, familial thoracic 8 (AAT8). Identifiers: MedGen C3809513, MONDO:0014187, OMIM 615436.

gnomAD v4.1: 1 of 1,613,268 alleles (0.000062%); highest among the groups gnomAD compares: East Asian, 0.0022%; no homozygotes.

Submission:

Labcorp Genetics (formerly Invitae), Labcorp
Classification: Uncertain significance for Aortic aneurysm, familial thoracic 8. Last evaluated: 2025-09-17. Review status: criteria provided, single submitter. Criteria: Invitae Variant Classification Sherloc (09022015). Collection method: clinical testing. Allele origin: germline.
Comment: This sequence change replaces isoleucine, which is neutral and non-polar, with threonine, which is neutral and polar, at codon 321 of the PRKG1 protein (p.Ile321Thr). This variant is present in population databases (rs776411009, gnomAD 0.006%). This variant has not been reported in the literature in individuals affected with PRKG1-related conditions. An algorithm developed to predict the effect of missense changes on protein structure and function (PolyPhen-2) suggests that this variant is likely to be disruptive. In summary, the available evidence is currently insufficient to determine the role of this variant in disease. Therefore, it has been classified as a Variant of Uncertain Significance.